The following is an entry in ClinVar:

ClinVar aggregate classification (germline): Conflicting classifications of pathogenicity. Review status: criteria provided, conflicting classifications (1 of 4 stars). 2 submissions from 2 submitters: Likely pathogenic (1); Uncertain significance (1). Last evaluated 2024-09-04.

Conditions:
Anterior segment dysgenesis 6 (ASGD6). Also called: Anterior segment dysgenesis 6, multiple subtypes. Identifiers: MedGen C4310623, MONDO:0015016, OMIM 617315.
Glaucoma 3A. Also called: Glaucoma 3, primary congenital, A. Identifiers: Orphanet 98976, Orphanet 98977, MedGen C1856439, MONDO:0009277, OMIM 231300.

Allele frequency attached by ClinVar (database versions not stated): gnomAD exomes below 0.00001.
gnomAD v4.1: 1 of 1,613,316 alleles (0.000062%); highest among the groups gnomAD compares: Non-Finnish European, 0.000085%; no homozygotes.

Submissions (2):

Women's Health and Genetics/Laboratory Corporation of America, LabCorp
Classification: Uncertain significance. Last evaluated: 2024-09-04. Review status: criteria provided, single submitter. Criteria: LabCorp Variant Classification Summary - May 2015. Collection method: clinical testing. Allele origin: germline.
Comment: Variant summary: CYP1B1 c.1139A>G (p.Tyr380Cys) results in a non-conservative amino acid change in the encoded protein sequence. Five of five in-silico tools predict a damaging effect of the variant on protein function. The variant was absent in 248238 control chromosomes. c.1139A>G has been reported in the literature in at least two compound heterozygous siblings affected with congenital glaucoma (e.g., Patel_2019; Al-Saei_2024). These data indicate that the variant may be associated with disease. To our knowledge, no experimental evidence demonstrating an impact on protein function has been reported. The following publications have been ascertained in the context of this evaluation (PMID: 38755526, 30653986). ClinVar contains an entry for this variant (Variation ID: 3236694). Based on the evidence outlined above, the variant was classified as VUS-possibly pathogenic.

Moosajee Lab, UCL Institute of Ophthalmology
Classification: Likely pathogenic for Glaucoma 3A; Anterior segment dysgenesis 6. Review status: criteria provided, single submitter. Criteria: ACMG Guidelines, 2015. Collection method: clinical testing. Allele origin: maternal. Inheritance: Autosomal recessive inheritance. Affected: yes. Observed: 2 variant alleles, 2 compound heterozygotes. Clinical features observed: Primary congenital glaucoma (HP:0008007), Anterior segment dysgenesis, Cataracts, Nystagmus, Astigmatism, Myopia. Study: Genomics England 100,000 Genomes Project.

Literature cited by the submitters: PubMed 30653986 (cited by Women's Health and Genetics/Laboratory Corporation of America, LabCorp); PubMed 38755526 (cited by Women's Health and Genetics/Laboratory Corporation of America, LabCorp); DOI 10.1186/s12864-024-10353-8 (cited by Moosajee Lab, UCL Institute of Ophthalmology).

NM_000104.4(CYP1B1):c.1139A>G (p.Tyr380Cys)

Gene: CYP1B1 (cytochrome P450 family 1 subfamily B member 1; minus strand). Cytogenetic location: 2p22.2.
Variant type: single nucleotide variant.
Coding change: c.1139A>G on transcript NM_000104.4 (MANE Select); coding-DNA position 1139, A replaced by G.
Protein change: p.Tyr380Cys; replaces tyrosine 380 with cysteine.
Molecular consequence: missense variant.
Genome position (GRCh38, 1-based): chr2:38,071,215, T>C on the plus strand (A>G on the coding strand, the complement: CYP1B1 is on the minus strand). VCF-style: chr2-38071215-T-C. GRCh37 (hg19) VCF-style: chr2-38298358-T-C.
Other names: short protein forms Y380C.
Identifiers: ClinVar variation 3236694 (VCV003236694.3), dbSNP rs2465878993, ClinGen allele CA346327776.